The following is an entry in ClinVar:

ClinVar aggregate classification (germline): Uncertain significance (1 of 4 stars; one submission).

Conditions:
Hypertrophic cardiomyopathy 13. Also called: TNNC1-Related Familial Hypertrophic Cardiomyopathy. Identifiers: MedGen C2750472, MONDO:0013195, OMIM 613243.
Dilated cardiomyopathy 1Z (CMD1Z). Identifiers: Orphanet 154, MedGen C2678475, MONDO:0012745, OMIM 611879.

Submission:

Labcorp Genetics (formerly Invitae), Labcorp
Classification: Uncertain significance for Hypertrophic cardiomyopathy 13; Dilated cardiomyopathy 1Z. Last evaluated: 2018-08-01. Review status: criteria provided, single submitter. Criteria: Invitae Variant Classification Sherloc (09022015). Collection method: clinical testing. Allele origin: germline.
Comment: This variant is not present in population databases (ExAC no frequency). In summary, the available evidence is currently insufficient to determine the role of this variant in disease. Therefore, it has been classified as a Variant of Uncertain Significance. Algorithms developed to predict the effect of missense changes on protein structure and function (SIFT, PolyPhen-2, Align-GVGD) all suggest that this variant is likely to be tolerated, but these predictions have not been confirmed by published functional studies and their clinical significance is uncertain. This variant has not been reported in the literature in individuals with TNNC1-related disease. This sequence change replaces glycine with arginine at codon 91 of the TNNC1 protein (p.Gly91Arg). The glycine residue is highly conserved and there is a moderate physicochemical difference between glycine and arginine.

NM_003280.3(TNNC1):c.271G>A (p.Gly91Arg)

Gene: TNNC1 (troponin C1, slow skeletal and cardiac type; minus strand). Cytogenetic location: 3p21.1.
Variant type: single nucleotide variant.
Coding change: c.271G>A on transcript NM_003280.3 (MANE Select); coding-DNA position 271, G replaced by A.
Protein change: p.Gly91Arg; replaces glycine 91 with arginine.
Molecular consequence: missense variant.
Genome position (GRCh38, 1-based): chr3:52,451,790, C>T on the plus strand (G>A on the coding strand, the complement: TNNC1 is on the minus strand). VCF-style: chr3-52451790-C-T. GRCh37 (hg19) VCF-style: chr3-52485806-C-T.
Other names: c.271G>A (LRG_378t1); short protein forms G91R.
Identifiers: ClinVar variation 647657 (VCV000647657.5), dbSNP rs1578264052, ClinGen allele CA353167219.